The following is an entry in ClinVar:

ClinVar aggregate classification (germline): Uncertain significance. Review status: criteria provided, multiple submitters, no conflicts (2 of 4 stars). 2 submissions from 2 submitters: Uncertain significance (2). Last evaluated 2025-01-06.

Conditions:
Hereditary cancer-predisposing syndrome. Also called: Tumor predisposition; Hereditary neoplastic syndrome; Neoplastic Syndromes, Hereditary; Hereditary Cancer Syndrome. Identifiers: Orphanet 140162, MedGen C0027672, MeSH D009386, MONDO:0015356.
Multiple endocrine neoplasia, type 2 (MEN2). Identifiers: Orphanet 653, MedGen C4048306, MONDO:0019003. Disease mechanism: gain of function.

Allele frequency attached by ClinVar (database versions not stated): gnomAD exomes below 0.00001.
gnomAD v4.1: 3 of 1,614,092 alleles (0.00019%); highest among the groups gnomAD compares: East Asian, 0.0022%; no homozygotes.

Submissions (2):

Labcorp Genetics (formerly Invitae), Labcorp
Classification: Uncertain significance for Multiple endocrine neoplasia, type 2. Last evaluated: 2025-01-06. Review status: criteria provided, single submitter. Criteria: Invitae Variant Classification Sherloc (09022015). Collection method: clinical testing. Allele origin: germline.
Comment: This sequence change replaces asparagine, which is neutral and polar, with serine, which is neutral and polar, at codon 468 of the RET protein (p.Asn468Ser). This variant is present in population databases (no rsID available, gnomAD 0.003%). This variant has not been reported in the literature in individuals affected with RET-related conditions. ClinVar contains an entry for this variant (Variation ID: 844785). An algorithm developed to predict the effect of missense changes on protein structure and function outputs the following: PolyPhen-2: "Benign". The serine amino acid residue is found in multiple mammalian species, which suggests that this missense change does not adversely affect protein function. In summary, the available evidence is currently insufficient to determine the role of this variant in disease. Therefore, it has been classified as a Variant of Uncertain Significance.

Ambry Genetics
Classification: Uncertain significance for Hereditary cancer-predisposing syndrome. Last evaluated: 2024-05-14. Review status: criteria provided, single submitter. Criteria: Ambry Variant Classification Scheme 2023. Collection method: clinical testing. Allele origin: germline.
Comment: The p.N468S variant (also known as c.1403A>G), located in coding exon 7 of the RET gene, results from an A to G substitution at nucleotide position 1403. The asparagine at codon 468 is replaced by serine, an amino acid with highly similar properties. This amino acid position is conserved. In addition, this alteration is predicted to be tolerated by in silico analysis. Based on the available evidence, the clinical significance of this variant remains unclear.

NM_020975.6(RET):c.1403A>G (p.Asn468Ser)

Gene: RET (ret proto-oncogene; plus strand). Cytogenetic location: 10q11.21.
Variant type: single nucleotide variant.
Coding change: c.1403A>G on transcript NM_020975.6 (MANE Select); coding-DNA position 1403, A replaced by G.
Protein change: p.Asn468Ser; replaces asparagine 468 with serine.
Molecular consequence: missense variant.
Genome position (GRCh38, 1-based): chr10:43,111,346, A>G. VCF-style: chr10-43111346-A-G. GRCh37 (hg19) VCF-style: chr10-43606794-A-G.
Other names: c.1403A>G, p.Asn468Ser (NM_000323.2, NM_001406743.1, NM_001406744.1 and 6 more transcripts); c.641A>G, p.Asn214Ser (NM_001355216.2); c.1274A>G, p.Asn425Ser (NM_001406761.1, NM_001406762.1, NM_001406764.1 and 1 more transcripts); c.1115A>G, p.Asn372Ser (NM_001406766.1, NM_001406767.1, NM_001406770.1); c.1007A>G, p.Asn336Ser (NM_001406769.1, NM_001406772.1); c.965A>G, p.Asn322Ser (NM_001406771.1, NM_001406773.1); c.878A>G, p.Asn293Ser (NM_001406774.1); c.677A>G, p.Asn226Ser (NM_001406775.1, NM_001406776.1, NM_001406777.1 and 1 more transcripts); and 1 more; short protein forms N214S, N468S, N322S, N138S, N293S, N336S, N226S, N372S.
Identifiers: ClinVar variation 844785 (VCV000844785.11), dbSNP rs1467587616, ClinGen allele CA376549434.